The following is an entry in ClinVar:

NM_001128148.3(TFRC):c.454T>C (p.Tyr152His)

Gene: TFRC (transferrin receptor; minus strand). Cytogenetic location: 3q29.
Variant type: single nucleotide variant.
Coding change: c.454T>C on transcript NM_001128148.3 (MANE Select); coding-DNA position 454, T replaced by C.
Protein change: p.Tyr152His; replaces tyrosine 152 with histidine.
Molecular consequence: missense variant. On other transcripts: 5 prime UTR variant (1).
Genome position (GRCh38, 1-based): chr3:196,072,133, A>G on the plus strand (T>C on the coding strand, the complement: TFRC is on the minus strand). VCF-style: chr3-196072133-A-G. GRCh37 (hg19) VCF-style: chr3-195799004-A-G.
Other names: c.211T>C, p.Tyr71His (NM_001313965.2); c.-393T>C (NM_001313966.2); c.454T>C, p.Tyr152His (NM_003234.4); short protein forms Y152H, Y71H.
Identifiers: ClinVar variation 2998973 (VCV002998973.3), dbSNP rs371003718, ClinGen allele CA2778296.
Genomic context (GRCh38, chr3:196,072,133, plus strand): 5'-GATTTTCAACATACAACGCAAGATTTTCATCTTTTTGAGATCCAGCCTCACGAGGGACAT[A>G]TGAATTTTCATTCAGCAGCCTGGAGGAGAAAATGCCTTTTAAATGAACTTAAGTTTACTT-3'
Protein context (NP_001121620.1, residues 142-162): GTIKLLNENS[Tyr152His]VPREAGSQKD

ClinVar aggregate classification (germline): Uncertain significance (1 of 4 stars; one submission).

Allele frequency attached by ClinVar (database versions not stated): gnomAD 0.00001; TOPMed 0.00001; ExAC 0.00003; gnomAD exomes 0.00003; ESP Exome Variant Server 0.00008.
gnomAD v4.1: 41 of 1,613,378 alleles (0.0025%); highest among the groups gnomAD compares: African/African-American, 0.004%; no homozygotes.

Submission:

Labcorp Genetics (formerly Invitae), Labcorp
Classification: Uncertain significance. Last evaluated: 2024-08-19. Review status: criteria provided, single submitter. Criteria: Invitae Variant Classification Sherloc (09022015). Collection method: clinical testing. Allele origin: germline.
Comment: This sequence change replaces tyrosine, which is neutral and polar, with histidine, which is basic and polar, at codon 152 of the TFRC protein (p.Tyr152His). This variant is present in population databases (rs371003718, gnomAD 0.006%). This variant has not been reported in the literature in individuals affected with TFRC-related conditions. Invitae Evidence Modeling of protein sequence and biophysical properties (such as structural, functional, and spatial information, amino acid conservation, physicochemical variation, residue mobility, and thermodynamic stability) indicates that this missense variant is not expected to disrupt TFRC protein function with a negative predictive value of 80%. In summary, the available evidence is currently insufficient to determine the role of this variant in disease. Therefore, it has been classified as a Variant of Uncertain Significance.